The following is an entry in ClinVar:

NM_030973.4(MED25):c.-12A>G

Gene: MED25 (mediator complex subunit 25; plus strand). Cytogenetic location: 19q13.33.
Variant type: single nucleotide variant.
Coding change: c.-12A>G on transcript NM_030973.4 (MANE Select); 12 bases upstream of the start codon, A replaced by G.
Molecular consequence: 5 prime UTR variant.
Genome position (GRCh38, 1-based): chr19:49,818,330, A>G. VCF-style: chr19-49818330-A-G. GRCh37 (hg19) VCF-style: chr19-50321587-A-G.
Other names: c.-12A>G (NM_001378355.1).
Identifiers: ClinVar variation 138201 (VCV000138201.14), dbSNP rs114843375, ClinGen allele CA292044.

ClinVar aggregate classification (germline): Benign. Review status: criteria provided, multiple submitters, no conflicts (2 of 4 stars). 4 submissions from 4 submitters: Benign (4). Last evaluated 2024-11-23.

Conditions:
Congenital cataract-microcephaly-nevus flammeus simplex-severe intellectual disability syndrome. Also called: Basel-Vanagaite-Smirin-Yosef syndrome. Identifiers: Orphanet 464738, MedGen C4225323, MONDO:0014643, OMIM 616449.
Charcot-Marie-Tooth disease. Also called: Charcot-Marie-Tooth Hereditary Neuropathy; Charcot-Marie-Tooth Neuropathy. Identifiers: Orphanet 166, MedGen C0007959, MONDO:0015626.

Allele frequency attached by ClinVar (database versions not stated): gnomAD exomes 0.00714 and 0.00916; ExAC 0.00869; 1000 Genomes Project 0.01018; 1000 Genomes Project 30x 0.01046; ESP Exome Variant Server 0.01115; gnomAD 0.01424 and 0.01532; TOPMed 0.01577.
gnomAD v4.1: 15,315 of 1,571,294 alleles (0.97%); highest among the groups gnomAD compares: African/African-American, 2.9%; 114 homozygotes.

Submissions (4):

ARUP Laboratories, Molecular Genetics and Genomics, ARUP Laboratories
Classification: Benign for Congenital cataract-microcephaly-nevus flammeus simplex-severe intellectual disability syndrome. Last evaluated: 2024-11-23. Review status: criteria provided, single submitter. Criteria: ARUP Molecular Germline Variant Investigation Process 2024. Collection method: clinical testing. Allele origin: germline.

GeneDx
Classification: Benign. Last evaluated: 2014-01-20. Review status: criteria provided, single submitter. Criteria: GeneDx Variant Classification (06012015). Collection method: clinical testing. Allele origin: germline. Affected: yes.
Comment: This variant is considered likely benign or benign based on one or more of the following criteria: it is a conservative change, it occurs at a poorly conserved position in the protein, it is predicted to be benign by multiple in silico algorithms, and/or has population frequency not consistent with disease.

Breakthrough Genomics
Classification: Benign. Review status: criteria provided, single submitter. Criteria: ACMG Guidelines, 2015. Collection method: not provided. Allele origin: germline. Inheritance: Autosomal recessive inheritance. Affected: yes.

Molecular Genetics Laboratory, London Health Sciences Centre
Classification: Benign for Charcot-Marie-Tooth disease. Review status: criteria provided, single submitter. Criteria: ACMG Guidelines, 2015. Collection method: clinical testing. Allele origin: germline. Affected: yes.